The following is an entry in ClinVar:

ClinVar aggregate classification (germline): Uncertain significance (1 of 4 stars; one submission).

Conditions:
Hereditary diffuse gastric adenocarcinoma (HDGC). Also called: DIFFUSE GASTRIC AND LOBULAR BREAST CANCER SYNDROME. Identifiers: Orphanet 26106, MedGen C1708349, MONDO:0007648, OMIM 137215.

Submission:

Labcorp Genetics (formerly Invitae), Labcorp
Classification: Uncertain significance for Hereditary diffuse gastric adenocarcinoma. Last evaluated: 2021-02-12. Review status: criteria provided, single submitter. Criteria: Invitae Variant Classification Sherloc (09022015). Collection method: clinical testing. Allele origin: unknown.
Comment: In summary, the available evidence is currently insufficient to determine the role of this variant in disease. Therefore, it has been classified as a Variant of Uncertain Significance. This variant removes 48 amino acids (residues 766-813) from the cytoplasmic tail of E-cadherin, deleting part of the p120-catenin binding region (residues 736-781) and part of the Hakai binding region (residues 734-798) of E-cadherin (PMID: 19268661, 22850631, 20371349, 29231860, 27624909). These two regions are involved in E-cadherin membrane trafficking and protein turnover. However, functional studies have not been performed to directly test the effects of this variant on CDH1 protein function, and the clinical significance of this variant remains uncertain. This variant has not been reported in the literature in individuals with CDH1-related conditions. This variant is an in-frame deletion of the genomic region encompassing exon 15 of the CDH1 gene. It preserves the integrity of the reading frame.

Literature cited by the submitters: PubMed 19268661; PubMed 22850631; PubMed 20371349; PubMed 29231860; PubMed 27624909.

NC_000016.9:g.(?_68862208)_(68865040_?)del

Gene: CDH1 (cadherin 1; plus strand). Cytogenetic location: 16q22.1.
Variant type: Deletion.
Identifiers: ClinVar variation 3243398 (VCV003243398.1).